The following is an entry in ClinVar:

ClinVar aggregate classification (germline): Uncertain significance. Review status: criteria provided, multiple submitters, no conflicts (2 of 4 stars). 2 submissions from 2 submitters: Uncertain significance (2). Last evaluated 2023-10-08.

Conditions:
Ataxia-telangiectasia syndrome (AT). Also called: Ataxia telangiectasia (A-T); LOUIS-BAR SYNDROME; Cerebello-oculocutaneous telangiectasia; Immunodeficiency with ataxia telangiectasia; Ataxia-telangiectasia, complementation group D; AT, COMPLEMENTATION GROUP C. Identifiers: Orphanet 100, MedGen C0004135, MONDO:0008840, OMIM 208900.
Hereditary cancer-predisposing syndrome. Also called: Hereditary neoplastic syndrome; Neoplastic Syndromes, Hereditary; Tumor predisposition; Hereditary Cancer Syndrome. Identifiers: Orphanet 140162, MedGen C0027672, MeSH D009386, MONDO:0015356.

Submissions (2):

Ambry Genetics
Classification: Uncertain significance for Hereditary cancer-predisposing syndrome. Last evaluated: 2023-10-08. Review status: criteria provided, single submitter. Criteria: Ambry Variant Classification Scheme 2023. Collection method: clinical testing. Allele origin: germline.
Comment: The p.S2283A variant (also known as c.6847T>G), located in coding exon 46 of the ATM gene, results from a T to G substitution at nucleotide position 6847. The serine at codon 2283 is replaced by alanine, an amino acid with similar properties. This amino acid position is conserved. In addition, this alteration is predicted to be tolerated by in silico analysis. Since supporting evidence is limited at this time, the clinical significance of this alteration remains unclear.

Labcorp Genetics (formerly Invitae), Labcorp
Classification: Uncertain significance for Ataxia-telangiectasia syndrome. Last evaluated: 2022-07-23. Review status: criteria provided, single submitter. Criteria: Invitae Variant Classification Sherloc (09022015). Collection method: clinical testing. Allele origin: germline.
Comment: Advanced modeling of protein sequence and biophysical properties (such as structural, functional, and spatial information, amino acid conservation, physicochemical variation, residue mobility, and thermodynamic stability) performed at Invitae indicates that this missense variant is not expected to disrupt ATM protein function. In summary, the available evidence is currently insufficient to determine the role of this variant in disease. Therefore, it has been classified as a Variant of Uncertain Significance. This variant has not been reported in the literature in individuals affected with ATM-related conditions. This sequence change replaces serine, which is neutral and polar, with alanine, which is neutral and non-polar, at codon 2283 of the ATM protein (p.Ser2283Ala). This variant is not present in population databases (gnomAD no frequency).

NM_000051.4(ATM):c.6847T>G (p.Ser2283Ala)

Genes: ATM (ATM serine/threonine kinase; plus strand), C11orf65 (chromosome 11 open reading frame 65; minus strand). Cytogenetic location: 11q22.3.
Variant type: single nucleotide variant.
Coding change: c.6847T>G on transcript NM_000051.4 (MANE Select); coding-DNA position 6847, T replaced by G.
Protein change: p.Ser2283Ala; replaces serine 2283 with alanine.
Molecular consequence: missense variant. On other transcripts: intron variant (2).
Genome position (GRCh38, 1-based): chr11:108,326,097, T>G. VCF-style: chr11-108326097-T-G. GRCh37 (hg19) VCF-style: chr11-108196824-T-G.
Other names: c.6847T>G, p.Ser2283Ala (NM_001351834.2); c.641-17026A>C (NM_001330368.2); c.*38+9123A>C (NM_001351110.2); short protein forms S2283A.
Identifiers: ClinVar variation 1715636 (VCV001715636.7), dbSNP rs2136333173, ClinGen allele CA382556659.
Genomic context (GRCh38, chr11:108,326,097, plus strand): 5'-CATATGTCATTTTCATTTCAGCTCCCTGAAAGGGCAATATTTCAAATTAAACAGTACAAT[T>G]CAGTTAGCTGTGGAGTCTCTGAGTGGCAGCTGGAAGAAGCACAAGTATTCTGGGCAAAAA-3'
Protein context (NP_000042.3, residues 2273-2293): RAIFQIKQYN[Ser2283Ala]VSCGVSEWQL